The following is an entry in ClinVar:

NM_006493.4(CLN5):c.866A>G (p.Lys289Arg)

Gene: CLN5 (CLN5 lysosomal BMP synthase; plus strand). Cytogenetic location: 13q22.3.
Variant type: single nucleotide variant.
Coding change: c.866A>G on transcript NM_006493.4 (MANE Select); coding-DNA position 866, A replaced by G.
Protein change: p.Lys289Arg; replaces lysine 289 with arginine.
Molecular consequence: missense variant. On other transcripts: 3 prime UTR variant (1).
Genome position (GRCh38, 1-based): chr13:77,000,758, A>G. VCF-style: chr13-77000758-A-G. GRCh37 (hg19) VCF-style: chr13-77574893-A-G.
Other names: c.*315A>G (NM_001366624.2); short protein forms K338R, K289R.
Identifiers: ClinVar variation 2196803 (VCV002196803.1), dbSNP rs1476322252, ClinGen allele CA388313855.

ClinVar aggregate classification (germline): Uncertain significance (1 of 4 stars; one submission).

Conditions:
Neuronal ceroid lipofuscinosis. Also called: Neuronal Ceroid Lipofuscinoses. Identifiers: Orphanet 216, Orphanet 79263, MedGen C0027877, MONDO:0016295. Disease mechanism: loss of function.

Allele frequency attached by ClinVar (database versions not stated): gnomAD 0.00001; TOPMed 0.00002; gnomAD exomes 0.00003.

Submission:

Labcorp Genetics (formerly Invitae), Labcorp
Classification: Uncertain significance for Neuronal ceroid lipofuscinosis. Last evaluated: 2022-11-01. Review status: criteria provided, single submitter. Criteria: Invitae Variant Classification Sherloc (09022015). Collection method: clinical testing. Allele origin: germline.
Comment: This sequence change replaces lysine, which is basic and polar, with arginine, which is basic and polar, at codon 338 of the CLN5 protein (p.Lys338Arg). This variant is present in population databases (no rsID available, gnomAD 0.0009%). This variant has not been reported in the literature in individuals affected with CLN5-related conditions. Advanced modeling of protein sequence and biophysical properties (such as structural, functional, and spatial information, amino acid conservation, physicochemical variation, residue mobility, and thermodynamic stability) performed at Invitae indicates that this missense variant is not expected to disrupt CLN5 protein function. In summary, the available evidence is currently insufficient to determine the role of this variant in disease. Therefore, it has been classified as a Variant of Uncertain Significance.